The following is an entry in ClinVar:

NM_032242.4(PLXNA1):c.1490A>G (p.Gln497Arg)

Gene: PLXNA1 (plexin A1; plus strand). Cytogenetic location: 3q21.3.
Variant type: single nucleotide variant.
Coding change: c.1490A>G on transcript NM_032242.4 (MANE Select); coding-DNA position 1490, A replaced by G.
Protein change: p.Gln497Arg; replaces glutamine 497 with arginine.
Molecular consequence: missense variant.
Genome position (GRCh38, 1-based): chr3:127,003,442, A>G. VCF-style: chr3-127003442-A-G. GRCh37 (hg19) VCF-style: chr3-126722285-A-G.
Other names: short protein forms Q497R.
Identifiers: ClinVar variation 3355575 (VCV003355575.1).

ClinVar aggregate classification (germline): Uncertain significance (0 of 4 stars; one submission).

Conditions:
PLXNA1-related disorder. Also called: PLXNA1-related condition.

Submission:

PreventionGenetics, part of Exact Sciences
Classification: Uncertain significance for PLXNA1-related condition. Last evaluated: 2024-05-28. Review status: no assertion criteria provided. Collection method: clinical testing. Allele origin: germline.
Comment: The PLXNA1 c.1490A>G variant is predicted to result in the amino acid substitution p.Gln497Arg. To our knowledge, this variant has not been reported in the literature. This variant is reported in 0.012% of alleles in individuals of African descent in gnomAD. At this time, the clinical significance of this variant is uncertain due to the absence of conclusive functional and genetic evidence.